The following is an entry in ClinVar:

NM_030665.4(RAI1):c.840_855del (p.Gln280fs)

Gene: RAI1 (retinoic acid induced 1; plus strand). Cytogenetic location: 17p11.2.
Variant type: Deletion.
Coding change: c.840_855del on transcript NM_030665.4 (MANE Select); coding-DNA positions 840 to 855, 16 bases deleted (GCAGCAGCAGCAGCAG).
Protein change: p.Gln280fs; shifts the reading frame from glutamine 280.
Molecular consequence: frameshift variant.
Genome position (GRCh38, 1-based): chr17:17,793,788-17,793,803, GCAGCAGCAGCAGCAG deleted. VCF-style (leftmost placement, unchanged base first): chr17-17793787-AGCAGCAGCAGCAGCAG-A. GRCh37 (hg19) VCF-style: chr17-17697101-AGCAGCAGCAGCAGCAG-A.
Other names: short protein forms Q280fs.
Identifiers: ClinVar variation 4986952 (VCV004986952.1).
Genomic context (GRCh38, chr17:17,793,787, plus strand): 5'-GGCAGCGGGTCCAGAATCTTCATGCCTACCAGTCGGGCCGCCTCAGCTATGACCAGCAGC[AGCAGCAGCAGCAGCAG>A]CAGCAGCAGCAGCAGCAAGCCCTTCAGAGCCGGCACCATGCCCAGGAAACCCTCCATTAC-3'

ClinVar aggregate classification (germline): Pathogenic (1 of 4 stars; one submission).

Conditions:
RAI1-related disorder. Also called: RAI1-related condition.

Submission:

PreventionGenetics, part of Exact Sciences
Classification: Pathogenic for RAI1-related condition. Last evaluated: 2026-04-27. Review status: criteria provided, single submitter. Criteria: ACMG Guidelines, 2015. Collection method: clinical testing. Allele origin: germline.
Comment: The RAI1 c.840_855del16 variant is predicted to result in a frameshift and premature protein termination (p.Gln280Hisfs*79). To our knowledge, this variant has not been reported in the literature or in a large population database, indicating this variant is rare. Frameshift variants in RAI1 are expected to be pathogenic. This variant is interpreted as pathogenic.